The following is an entry in ClinVar:

ClinVar aggregate classification (germline): Uncertain significance (1 of 4 stars; one submission).

Conditions:
Generalized epilepsy with febrile seizures plus, type 1 (GEFSP1). Also called: GEFS+, TYPE 1. Identifiers: Orphanet 36387, MedGen C1858672, MONDO:0011416, OMIM 604233.

Submission:

Clinical Genetics Laboratory, University Hospital Schleswig-Holstein
Classification: Uncertain significance for Generalized epilepsy with febrile seizures plus, type 1. Last evaluated: 2025-06-17. Review status: criteria provided, single submitter. Criteria: ACMG Guidelines, 2015. Collection method: clinical testing. Allele origin: germline. Affected: yes. Observed: 1 heterozygote.
Comment: ACMG criteria applied: PM2, PP3, PP2

NM_001037.5(SCN1B):c.286C>G (p.Arg96Gly)

Gene: SCN1B (sodium voltage-gated channel beta subunit 1; plus strand). Cytogenetic location: 19q13.11.
Variant type: single nucleotide variant.
Coding change: c.286C>G on transcript NM_001037.5 (MANE Select); coding-DNA position 286, C replaced by G.
Protein change: p.Arg96Gly; replaces arginine 96 with glycine.
Molecular consequence: missense variant.
Genome position (GRCh38, 1-based): chr19:35,033,577, C>G. VCF-style: chr19-35033577-C-G. GRCh37 (hg19) VCF-style: chr19-35524481-C-G.
Other names: c.187C>G, p.Arg63Gly (NM_001321605.2); c.286C>G, p.Arg96Gly (NM_199037.5); short protein forms R63G, R96G.
Identifiers: ClinVar variation 5042053 (VCV005042053.1).
Genomic context (GRCh38, chr19:35,033,577, plus strand): 5'-GAGGTGTTGCAGCTGGAGGAGGATGAGCGCTTCGAGGGCCGCGTGGTGTGGAATGGCAGC[C>G]GGGGCACCAAAGACCTGCAGGATCTGTCTATCTTCATCACCAATGTCACCTACAACCACT-3'
Protein context (NP_001028.1, residues 86-106): FEGRVVWNGS[Arg96Gly]GTKDLQDLSI